The following is an entry in ClinVar:

NM_000212.3(ITGB3):c.792G>A (p.Trp264Ter)

Gene: ITGB3 (integrin subunit beta 3; plus strand). Cytogenetic location: 17q21.32.
Variant type: single nucleotide variant.
Coding change: c.792G>A on transcript NM_000212.3 (MANE Select); coding-DNA position 792, G replaced by A.
Protein change: p.Trp264Ter; replaces tryptophan 264 with a stop codon.
Molecular consequence: nonsense.
Genome position (GRCh38, 1-based): chr17:47,287,084, G>A. VCF-style: chr17-47287084-G-A. GRCh37 (hg19) VCF-style: chr17-45364450-G-A.
Other names: NM_000212.3:c.792G>A; short protein forms W264*.
Identifiers: ClinVar variation 2498356 (VCV002498356.5), dbSNP rs1442321434, ClinGen allele CA400024376.
Genomic context (GRCh38, chr17:47,287,084, plus strand): 5'-ATTTGTTTTGTCTCCTCTGCCTTTGTTTTTTGTTTTCTTTTAACAGGAAAAGATTGGCTG[G>A]AGGAATGATGCATCCCACTTGCTGGTGTTTACCACTGATGCCAAGACTCATATAGCATTG-3'

ClinVar aggregate classification (germline): Pathogenic. Review status: reviewed by expert panel (3 of 4 stars). 2 submissions from 2 submitters: Pathogenic (1). 1 of the submissions does not count toward it. Last evaluated 2023-02-02.

Conditions:
Glanzmann thrombasthenia. Also called: BLEEDING DISORDER, PLATELET-TYPE, 2; THROMBASTHENIA OF GLANZMANN AND NAEGELI; Thrombasthenia; PLATELET GLYCOPROTEIN IIb-IIIa DEFICIENCY; Glanzmann's thrombasthenia. Identifiers: Orphanet 849, MedGen C0040015, MONDO:0100326.

Allele frequency attached by ClinVar (database versions not stated): gnomAD exomes below 0.00001.
gnomAD v4.1: 4 of 1,614,050 alleles (0.00025%); highest among the groups gnomAD compares: Admixed American, 0.0033%; no homozygotes.

Submissions (2):

ClinGen Platelet Disorders Variant Curation Expert Panel, ClinGen
Classification: Pathogenic for Glanzmann thrombasthenia. Last evaluated: 2023-02-02. Review status: reviewed by expert panel. Criteria: ClinGen Platelet ACMG Specifications v2-1. Collection method: curation. Allele origin: germline. Inheritance: Autosomal recessive inheritance.
Comment: The ITGB3 variant c.792G>A (p.Trp264Ter) is a nonsense variant causing a premature stop codon in exon 6/15, and is predicted to undergo nonsense mediated decay (PVS1). The highest population minor allele frequency in gnomAD v2.1.1 is 0.00005782 (2/34590 alleles) in the Latino population, which meets threshold for PM2_supporting. At least one homozygous patient (Patient II-2 in PMID:24357714) with this variant displayed mucocutaneous bleeding and impaired aggregation with all agonists with no αIIbβ3 surface expression as measured by flow cytometry (PM3_supporting). This patient was also diagnosed with primary ciliary dyskinesia. In summary, based on the available evidence at this time, the c.792G>A variant is classified Pathogenic. GT-specific criteria applied: PM3_supporting, PM2_Supporting, PVS1.

Labcorp Genetics (formerly Invitae), Labcorp
Classification: Pathogenic. Last evaluated: 2024-08-07. Review status: criteria provided, single submitter. Criteria: Invitae Variant Classification Sherloc (09022015). Collection method: clinical testing. Allele origin: germline. Not counted in ClinVar's aggregate classification.
Comment: This sequence change creates a premature translational stop signal (p.Trp264*) in the ITGB3 gene. It is expected to result in an absent or disrupted protein product. Loss-of-function variants in ITGB3 are known to be pathogenic (PMID: 21917754). This variant is present in population databases (no rsID available, gnomAD 0.006%). This premature translational stop signal has been observed in individual(s) with Glanzmann thromboasthenia (PMID: 24357714). ClinVar contains an entry for this variant (Variation ID: 2498356). For these reasons, this variant has been classified as Pathogenic.

Literature cited by the submitters: PubMed 21917754 (cited by Labcorp Genetics (formerly Invitae), Labcorp); PubMed 24357714 (cited by Labcorp Genetics (formerly Invitae), Labcorp).